The following is an entry in ClinVar:

ClinVar aggregate classification (germline): Uncertain significance (1 of 4 stars; one submission).

gnomAD v4.1: 2 of 1,360,592 alleles (0.00015%); highest among the groups gnomAD compares: Admixed American, 0.0019%; no homozygotes.

Submission:

Labcorp Genetics (formerly Invitae), Labcorp
Classification: Uncertain significance. Last evaluated: 2022-06-13. Review status: criteria provided, single submitter. Criteria: Invitae Variant Classification Sherloc (09022015). Collection method: clinical testing. Allele origin: germline.
Comment: In summary, the available evidence is currently insufficient to determine the role of this variant in disease. Therefore, it has been classified as a Variant of Uncertain Significance. Algorithms developed to predict the effect of missense changes on protein structure and function (SIFT, PolyPhen-2, Align-GVGD) all suggest that this variant is likely to be tolerated. This variant has not been reported in the literature in individuals affected with ZNF341-related conditions. This variant is not present in population databases (gnomAD no frequency). This sequence change replaces aspartic acid, which is acidic and polar, with glutamic acid, which is acidic and polar, at codon 529 of the ZNF341 protein (p.Asp529Glu).

NM_001282933.2(ZNF341):c.1608C>A (p.Asp536Glu)

Gene: ZNF341 (zinc finger protein 341; plus strand). Cytogenetic location: 20q11.22.
Variant type: single nucleotide variant.
Coding change: c.1608C>A on transcript NM_001282933.2 (MANE Select); coding-DNA position 1608, C replaced by A.
Protein change: p.Asp536Glu; replaces aspartic acid 536 with glutamic acid.
Molecular consequence: missense variant. On other transcripts: non-coding transcript variant (1).
Genome position (GRCh38, 1-based): chr20:33,770,278, C>A. VCF-style: chr20-33770278-C-A. GRCh37 (hg19) VCF-style: chr20-32358084-C-A.
Other names: c.1338C>A, p.Asp446Glu (NM_001282935.2); c.1587C>A, p.Asp529Glu (NM_032819.5); short protein forms D446E, D536E, D529E.
Identifiers: ClinVar variation 1518494 (VCV001518494.6), dbSNP rs2019502187, ClinGen allele CA408658656.
Genomic context (GRCh38, chr20:33,770,278, plus strand): 5'-CGACCTGGGCGTGCACCAGTACTCCCACAGCCTCCTGCCACAGCACAGCCCCAAGAAGGA[C>A]AATGCCGTCTACAAGTAAGTGCCTCCTGCTTCCCTCTCCCTGGGTGGACGGGTGGGTGGG-3'
Protein context (NP_001269862.1, residues 526-546): SLLPQHSPKK[Asp536Glu]NAVYKCVKCV